The following is an entry in ClinVar:

NM_004171.4(SLC1A2):c.1693G>A (p.Val565Ile)

Gene: SLC1A2 (solute carrier family 1 member 2; minus strand). Cytogenetic location: 11p13.
Variant type: single nucleotide variant.
Coding change: c.1693G>A on transcript NM_004171.4 (MANE Select); coding-DNA position 1693, G replaced by A.
Protein change: p.Val565Ile; replaces valine 565 with isoleucine.
Molecular consequence: missense variant.
Genome position (GRCh38, 1-based): chr11:35,260,926, C>T on the plus strand (G>A on the coding strand, the complement: SLC1A2 is on the minus strand). VCF-style: chr11-35260926-C-T. GRCh37 (hg19) VCF-style: chr11-35282473-C-T.
Other names: c.1666G>A, p.Val556Ile (NM_001195728.3, NM_001252652.2); short protein forms V556I, V565I.
Identifiers: ClinVar variation 1916692 (VCV001916692.5), dbSNP rs149609715, ClinGen allele CA5946994.

ClinVar aggregate classification (germline): Uncertain significance (1 of 4 stars; one submission).

Allele frequency attached by ClinVar (database versions not stated): gnomAD exomes below 0.00001; ExAC 0.00001; gnomAD 0.00002; TOPMed 0.00002; ESP Exome Variant Server 0.00008.
gnomAD v4.1: 5 of 1,613,774 alleles (0.00031%); highest among the groups gnomAD compares: Non-Finnish European, 0.00042%; no homozygotes.

Submission:

Labcorp Genetics (formerly Invitae), Labcorp
Classification: Uncertain significance. Last evaluated: 2024-11-18. Review status: criteria provided, single submitter. Criteria: Invitae Variant Classification Sherloc (09022015). Collection method: clinical testing. Allele origin: germline.
Comment: This sequence change replaces valine, which is neutral and non-polar, with isoleucine, which is neutral and non-polar, at codon 565 of the SLC1A2 protein (p.Val565Ile). This variant is present in population databases (rs149609715, gnomAD 0.002%). This variant has not been reported in the literature in individuals affected with SLC1A2-related conditions. ClinVar contains an entry for this variant (Variation ID: 1916692). An algorithm developed to predict the effect of missense changes on protein structure and function (PolyPhen-2) suggests that this variant is likely to be tolerated. In summary, the available evidence is currently insufficient to determine the role of this variant in disease. Therefore, it has been classified as a Variant of Uncertain Significance.